The following is an entry in ClinVar:

ClinVar aggregate classification (germline): Pathogenic. Review status: criteria provided, multiple submitters, no conflicts (2 of 4 stars). 2 submissions from 2 submitters: Pathogenic (2). Last evaluated 2022-01-28.

Conditions:
Seizures, benign familial infantile, 3 (BFIS3). Also called: Familial neonatal seizures; CONVULSIONS, BENIGN FAMILIAL INFANTILE, 3. Identifiers: Orphanet 140927, Orphanet 306, MedGen C1843140, MONDO:0011904, OMIM 607745.
Developmental and epileptic encephalopathy, 11 (DEE11). Also called: Early infantile epileptic encephalopathy 11. Identifiers: Orphanet 1934, MedGen C3150987, MONDO:0013388, OMIM 613721.
SCN2A-associated neurodevelopmental disorders.

Submissions (2):

Clinical Genomics Laboratory, Stanford Medicine
Classification: Pathogenic for SCN2A-associated neurodevelopmental disorders. Last evaluated: 2022-01-28. Review status: criteria provided, single submitter. Criteria: ACMG Guidelines, 2015. Collection method: clinical testing. Allele origin: de novo. Inheritance: Autosomal dominant inheritance. Affected: yes. Observed: 1 variant allele, 1 heterozygote.
Comment: This variant was absent from large population databases, including the Genome Aggregation Database. This variant leads to a premature stop codon in exon 25 of 27 coding exons, and is therefore predicted to undergo nonsense-mediated decay resulting in a truncated or absent protein. Heterozygous loss of function is an established mechanism of disease for the SCN2A gene. These data were assessed using the ACMG/AMP variant interpretation guidelines. In summary, there is sufficient evidence to classify the p.Arg1515* variant as pathogenic for autosomal dominant SCN2A-associated neurodevelopmental disorders based on the information above. [ACMG evidence codes used: PVS1; PS2_supporting; PM2]

Labcorp Genetics (formerly Invitae), Labcorp
Classification: Pathogenic for Seizures, benign familial infantile, 3; Developmental and epileptic encephalopathy, 11. Last evaluated: 2020-05-27. Review status: criteria provided, single submitter. Criteria: Invitae Variant Classification Sherloc (09022015). Collection method: clinical testing. Allele origin: germline.
Comment: For these reasons, this variant has been classified as Pathogenic. This sequence change creates a premature translational stop signal (p.Arg1515*) in the SCN2A gene. It is expected to result in an absent or disrupted protein product. This variant is not present in population databases (ExAC no frequency). This variant has been observed in individual(s) with SCN2A-related conditions (PMID: 26637798). Loss-of-function variants in SCN2A are known to be pathogenic (PMID: 22495306, 23020937, 24650168).

Literature cited by the submitters: PubMed 26637798 (cited by Clinical Genomics Laboratory, Stanford Medicine and Labcorp Genetics (formerly Invitae), Labcorp); PubMed 22495306 (cited by Labcorp Genetics (formerly Invitae), Labcorp); PubMed 23020937 (cited by Labcorp Genetics (formerly Invitae), Labcorp); PubMed 24650168 (cited by Labcorp Genetics (formerly Invitae), Labcorp).

NM_001040142.2(SCN2A):c.4543C>T (p.Arg1515Ter)

Gene: SCN2A (sodium voltage-gated channel alpha subunit 2; plus strand). Cytogenetic location: 2q24.3.
Variant type: single nucleotide variant.
Coding change: c.4543C>T on transcript NM_001040142.2 (MANE Select); coding-DNA position 4543, C replaced by T.
Protein change: p.Arg1515Ter; replaces arginine 1515 with a stop codon.
Molecular consequence: nonsense.
Genome position (GRCh38, 1-based): chr2:165,381,189, C>T. VCF-style: chr2-165381189-C-T. GRCh37 (hg19) VCF-style: chr2-166237699-C-T.
Other names: c.4543C>T, p.Arg1515Ter (NM_001040143.2, NM_001371246.1, NM_001371247.1 and 1 more transcripts); c.4543C>T (NM_021007.2); short protein forms R1515*.
Identifiers: ClinVar variation 1074300 (VCV001074300.11), dbSNP rs1365774406, ClinGen allele CA349034969.